The following is an entry in ClinVar:

ClinVar aggregate classification (germline): Conflicting classifications of pathogenicity. Review status: criteria provided, conflicting classifications (1 of 4 stars). 13 submissions from 12 submitters: Uncertain significance (2); Benign (3); Likely benign (8). Last evaluated 2026-01-13.

Conditions:
TSC1-related disorder. Also called: TSC1-related condition.
Isolated focal cortical dysplasia type II (FCORD2). Also called: Focal cortical dysplasia type II; CORTICAL DYSPLASIA OF TAYLOR. Identifiers: Orphanet 268994, MedGen C1846385, MONDO:0011818, OMIM 607341, HP:0032051.
Tuberous sclerosis 1 (TSC1). Identifiers: Orphanet 805, MedGen C1854465, MONDO:0008612, OMIM 191100.
Hereditary cancer-predisposing syndrome. Also called: Hereditary neoplastic syndrome; Neoplastic Syndromes, Hereditary; Hereditary Cancer Syndrome; Tumor predisposition. Identifiers: Orphanet 140162, MedGen C0027672, MeSH D009386, MONDO:0015356.
Tuberous sclerosis syndrome (TSC). Also called: Tuberous sclerosis; Tuberous Sclerosis Complex. Identifiers: Orphanet 805, MedGen C0041341, MONDO:0001734.

Allele frequency attached by ClinVar (database versions not stated): gnomAD exomes 0.00005 and 0.00006; ExAC 0.00006; TOPMed 0.00006; ESP Exome Variant Server 0.00008; gnomAD 0.00013 and 0.00014.
gnomAD v4.1: 108 of 1,613,092 alleles (0.0067%); highest among the groups gnomAD compares: African/African-American, 0.016%; no homozygotes.

Submissions (13):

Labcorp Genetics (formerly Invitae), Labcorp
Classification: Benign for Tuberous sclerosis 1. Last evaluated: 2026-01-13. Review status: criteria provided, single submitter. Criteria: Invitae Variant Classification Sherloc (09022015). Collection method: clinical testing. Allele origin: germline.

PreventionGenetics, part of Exact Sciences
Classification: Likely benign for TSC1-related condition. Last evaluated: 2025-08-20. Review status: criteria provided, single submitter. Criteria: ACMG Guidelines, 2015. Collection method: clinical testing. Allele origin: germline.
Comment: This variant is classified as likely benign based on ACMG/AMP sequence variant interpretation guidelines (Richards et al. 2015 PMID: 25741868, with internal and published modifications).

Myriad Genetics, Inc.
Classification: Benign for Tuberous sclerosis 1. Last evaluated: 2025-04-24. Review status: criteria provided, single submitter. Criteria: Myriad Autosomal Dominant, Autosomal Recessive and X-Linked Classification Criteria (2023). Collection method: clinical testing. Allele origin: unknown.
Comment: This variant is considered benign. This variant is intronic and is not expected to impact mRNA splicing. This variant has been observed at a population frequency that is significantly greater than expected given the associated disease prevalence and penetrance.

Laboratory of Genetics, Children's Clinical University Hospital Latvia
Classification: Likely benign. Last evaluated: 2025-02-16. Review status: criteria provided, single submitter. Criteria: ACMG Guidelines, 2015. Collection method: clinical testing. Allele origin: germline. Affected: yes.

Department of Human Genetics, Hannover Medical School
Classification: Uncertain significance for Tuberous sclerosis 1. Last evaluated: 2024-07-05. Review status: criteria provided, single submitter. Criteria: ACMG Guidelines, 2015. Collection method: clinical testing. Allele origin: germline. Inheritance: Autosomal dominant inheritance. Affected: yes.

Color Diagnostics, LLC DBA Color Health
Classification: Likely benign for Tuberous sclerosis syndrome. Last evaluated: 2024-01-29. Review status: criteria provided, single submitter. Criteria: ACMG Guidelines, 2015. Collection method: clinical testing. Allele origin: germline.

Blueprint Genetics
Classification: Likely benign. Last evaluated: 2024-01-16. Review status: criteria provided, single submitter. Criteria: ACMG Guidelines, 2015. Collection method: clinical testing. Allele origin: germline.

Ambry Genetics
Classification: Benign for Hereditary cancer-predisposing syndrome. Last evaluated: 2022-02-28. Review status: criteria provided, single submitter. Criteria: Ambry Variant Classification Scheme 2023. Collection method: clinical testing. Allele origin: germline.

Genome-Nilou Lab
Classification: Likely benign for Tuberous sclerosis 1. Last evaluated: 2021-11-07. Review status: criteria provided, single submitter. Criteria: ACMG Guidelines, 2015. Collection method: clinical testing. Allele origin: germline. Affected: no.

Sema4
Classification: Likely benign for Hereditary cancer-predisposing syndrome. Last evaluated: 2020-12-29. Review status: criteria provided, single submitter. Criteria: Sema4 Curation Guidelines. Collection method: curation. Allele origin: germline.

GeneDx
Classification: Likely benign. Last evaluated: 2020-08-19. Review status: criteria provided, single submitter. Criteria: GeneDx Variant Classification Process June 2021. Collection method: clinical testing. Allele origin: germline. Affected: yes.

Illumina Laboratory Services, Illumina
Classification: Uncertain significance for Tuberous sclerosis 1. Last evaluated: 2018-01-12. Review status: criteria provided, single submitter. Criteria: ICSL Variant Classification Criteria 13 December 2019. Collection method: clinical testing. Allele origin: germline.

Illumina Laboratory Services, Illumina
Classification: Likely benign for Isolated focal cortical dysplasia type II. Last evaluated: 2018-01-12. Review status: criteria provided, single submitter. Criteria: ICSL Variant Classification Criteria 13 December 2019. Collection method: clinical testing. Allele origin: germline.
Comment: This variant was observed in the ICSL laboratory as part of a predisposition screen in an ostensibly healthy population. It had not been previously curated by ICSL or reported in the Human Gene Mutation Database (HGMD: prior to June 1st, 2018), and was therefore a candidate for classification through an automated scoring system. Utilizing variant allele frequency, disease prevalence and penetrance estimates, and inheritance mode, an automated score was calculated to assess if this variant is too frequent to cause the disease. Based on the score and internal cut-off values, a variant classified as likely benign is not then subjected to further curation. The score for this variant resulted in a classification of likely benign for this disease.

NM_000368.5(TSC1):c.2209-3T>C

Gene: TSC1 (TSC complex subunit 1; minus strand). Cytogenetic location: 9q34.13.
Variant type: single nucleotide variant.
Coding change: c.2209-3T>C on transcript NM_000368.5 (MANE Select); 3 bases into the intron before coding-DNA position 2209, T replaced by C.
Molecular consequence: intron variant.
Genome position (GRCh38, 1-based): chr9:132,902,790, A>G on the plus strand (T>C on the coding strand, the complement: TSC1 is on the minus strand). VCF-style: chr9-132902790-A-G. GRCh37 (hg19) VCF-style: chr9-135778177-A-G.
Other names: c.1846-3T>C (NM_001362177.2); c.2056-3T>C (NM_001162427.2); c.2206-3T>C (NM_001162426.2).
Identifiers: ClinVar variation 365516 (VCV000365516.32), dbSNP rs368309229, ClinGen allele CA031902.